The following is an entry in ClinVar:

ClinVar aggregate classification (germline): Uncertain significance. Review status: criteria provided, multiple submitters, no conflicts (2 of 4 stars). 2 submissions from 2 submitters: Uncertain significance (2). Last evaluated 2025-08-25.

Conditions:
Hereditary cancer-predisposing syndrome. Also called: Hereditary Cancer Syndrome; Hereditary neoplastic syndrome; Neoplastic Syndromes, Hereditary; Tumor predisposition. Identifiers: Orphanet 140162, MedGen C0027672, MeSH D009386, MONDO:0015356.
Multiple endocrine neoplasia type 4. Also called: MULTIPLE ENDOCRINE NEOPLASIA, TYPE IV. Identifiers: Orphanet 276152, MedGen C1970712, MONDO:0012552, OMIM 610755.

Submissions (2):

Ambry Genetics
Classification: Uncertain significance for Hereditary cancer-predisposing syndrome. Last evaluated: 2025-08-25. Review status: criteria provided, single submitter. Criteria: Ambry Variant Classification Scheme 2023. Collection method: clinical testing. Allele origin: germline.
Comment: The p.Y89D variant (also known as c.265T>G), located in coding exon 1 of the CDKN1B gene, results from a T to G substitution at nucleotide position 265. The tyrosine at codon 89 is replaced by aspartic acid, an amino acid with highly dissimilar properties. This amino acid position is conserved. In addition, this alteration is predicted to be tolerated by in silico analysis. Based on the available evidence, the clinical significance of this variant remains unclear.

Labcorp Genetics (formerly Invitae), Labcorp
Classification: Uncertain significance for Multiple endocrine neoplasia type 4. Last evaluated: 2023-05-31. Review status: criteria provided, single submitter. Criteria: Invitae Variant Classification Sherloc (09022015). Collection method: clinical testing. Allele origin: germline.
Comment: In summary, the available evidence is currently insufficient to determine the role of this variant in disease. Therefore, it has been classified as a Variant of Uncertain Significance. An algorithm developed to predict the effect of missense changes on protein structure and function (PolyPhen-2) suggests that this variant is likely to be tolerated. This variant has not been reported in the literature in individuals affected with CDKN1B-related conditions. This variant is not present in population databases (gnomAD no frequency). This sequence change replaces tyrosine, which is neutral and polar, with aspartic acid, which is acidic and polar, at codon 89 of the CDKN1B protein (p.Tyr89Asp).

NM_004064.5(CDKN1B):c.265T>G (p.Tyr89Asp)

Gene: CDKN1B (cyclin dependent kinase inhibitor 1B; plus strand). Cytogenetic location: 12p13.1.
Variant type: single nucleotide variant.
Coding change: c.265T>G on transcript NM_004064.5 (MANE Select); coding-DNA position 265, T replaced by G.
Protein change: p.Tyr89Asp; replaces tyrosine 89 with aspartic acid.
Molecular consequence: missense variant.
Genome position (GRCh38, 1-based): chr12:12,718,104, T>G. VCF-style: chr12-12718104-T-G. GRCh37 (hg19) VCF-style: chr12-12871038-T-G.
Other names: c.265T>G (NM_004064.3); short protein forms Y89D.
Identifiers: ClinVar variation 2855450 (VCV002855450.4), dbSNP rs2136355911, ClinGen allele CA383969892.